The following is an entry in ClinVar:

NM_001184.4(ATR):c.3212A>G (p.Asp1071Gly)

Gene: ATR (ATR checkpoint kinase; minus strand). Cytogenetic location: 3q23.
Variant type: single nucleotide variant.
Coding change: c.3212A>G on transcript NM_001184.4 (MANE Select); coding-DNA position 3212, A replaced by G.
Protein change: p.Asp1071Gly; replaces aspartic acid 1071 with glycine.
Molecular consequence: missense variant.
Genome position (GRCh38, 1-based): chr3:142,547,870, T>C on the plus strand (A>G on the coding strand, the complement: ATR is on the minus strand). VCF-style: chr3-142547870-T-C. GRCh37 (hg19) VCF-style: chr3-142266712-T-C.
Other names: c.3020A>G, p.Asp1007Gly (NM_001354579.2); short protein forms D1007G, D1071G.
Identifiers: ClinVar variation 3221113 (VCV003221113.3), dbSNP rs2108451675, ClinGen allele CA354810885.

ClinVar aggregate classification (germline): Uncertain significance. Review status: criteria provided, multiple submitters, no conflicts (2 of 4 stars). 2 submissions from 2 submitters: Uncertain significance (2). Last evaluated 2024-10-28.

Conditions:
Inborn genetic diseases. Identifiers: MedGen C0950123, MeSH D030342.

Submissions (2):

Labcorp Genetics (formerly Invitae), Labcorp
Classification: Uncertain significance. Last evaluated: 2024-10-28. Review status: criteria provided, single submitter. Criteria: Invitae Variant Classification Sherloc (09022015). Collection method: clinical testing. Allele origin: germline.
Comment: This sequence change replaces aspartic acid, which is acidic and polar, with glycine, which is neutral and non-polar, at codon 1071 of the ATR protein (p.Asp1071Gly). This variant is not present in population databases (gnomAD no frequency). This variant has not been reported in the literature in individuals affected with ATR-related conditions. An algorithm developed to predict the effect of missense changes on protein structure and function (PolyPhen-2) suggests that this variant is likely to be disruptive. In summary, the available evidence is currently insufficient to determine the role of this variant in disease. Therefore, it has been classified as a Variant of Uncertain Significance.

Ambry Genetics
Classification: Uncertain significance for Inborn genetic diseases. Last evaluated: 2023-12-14. Review status: criteria provided, single submitter. Criteria: Ambry Variant Classification Scheme 2023. Collection method: clinical testing. Allele origin: germline.
Comment: The p.D1071G variant (also known as c.3212A>G), located in coding exon 16 of the ATR gene, results from an A to G substitution at nucleotide position 3212. The aspartic acid at codon 1071 is replaced by glycine, an amino acid with similar properties. This amino acid position is conserved. In addition, this alteration is predicted to be deleterious by in silico analysis. Since supporting evidence is limited at this time, the clinical significance of this alteration remains unclear.